The following is an entry in ClinVar:

NM_001394062.1(MACF1):c.16074C>G (p.Thr5358=)

Gene: MACF1 (microtubule actin crosslinking factor 1; plus strand). Cytogenetic location: 1p34.3.
Variant type: single nucleotide variant.
Coding change: c.16074C>G on transcript NM_001394062.1 (MANE Select); coding-DNA position 16074, C replaced by G.
Protein change: p.Thr5358=; no amino-acid change (threonine 5358 retained).
Molecular consequence: synonymous variant.
Genome position (GRCh38, 1-based): chr1:39,422,825, C>G. VCF-style: chr1-39422825-C-G. GRCh37 (hg19) VCF-style: chr1-39888497-C-G.
Other names: c.4470C>G, p.Thr1490= (NM_001397473.1); c.9888C>G, p.Thr3296= (NM_012090.5).
Identifiers: ClinVar variation 2638710 (VCV002638710.24), dbSNP rs769079235, ClinGen allele CA417525503.

ClinVar aggregate classification (germline): Likely benign (1 of 4 stars; one submission).

gnomAD v4.1: 2 of 1,614,098 alleles (0.00012%); highest among the groups gnomAD compares: Non-Finnish European, 0.000085%; no homozygotes.

Submission:

CeGaT Center for Human Genetics Tuebingen
Classification: Likely benign. Last evaluated: 2023-01-01. Review status: criteria provided, single submitter. Criteria: CeGaT Center For Human Genetics Tuebingen Variant Classification Criteria Version 2. Collection method: clinical testing. Allele origin: germline. Affected: yes. Observed: 1 variant allele.
Comment: MACF1: PM2:Supporting, BP4, BP7